The following is an entry in ClinVar:

ClinVar aggregate classification (germline): Uncertain significance. Review status: criteria provided, multiple submitters, no conflicts (2 of 4 stars). 2 submissions from 2 submitters: Uncertain significance (2). Last evaluated 2025-07-10.

Conditions:
Hereditary cancer-predisposing syndrome. Also called: Hereditary Cancer Syndrome; Neoplastic Syndromes, Hereditary; Tumor predisposition; Hereditary neoplastic syndrome. Identifiers: Orphanet 140162, MedGen C0027672, MeSH D009386, MONDO:0015356.
Retinoblastoma (RB1). Also called: RETINOBLASTOMA, SOMATIC. Identifiers: Orphanet 790, MedGen C0035335, MeSH D012175, MONDO:0008380, OMIM 180200, HP:0009919. Disease mechanism: loss of function. Inheritance: Both sporadic and heritable forms are tested..

gnomAD v4.1: 4 of 1,595,522 alleles (0.00025%); highest among the groups gnomAD compares: South Asian, 0.0022%; no homozygotes.

Submissions (2):

Ambry Genetics
Classification: Uncertain significance for Hereditary cancer-predisposing syndrome. Last evaluated: 2025-07-10. Review status: criteria provided, single submitter. Criteria: Ambry Variant Classification Scheme 2023. Collection method: clinical testing. Allele origin: germline.
Comment: The p.I172M variant (also known as c.516A>G), located in coding exon 5 of the RB1 gene, results from an A to G substitution at nucleotide position 516. The isoleucine at codon 172 is replaced by methionine, an amino acid with highly similar properties. This amino acid position is conserved. In addition, the in silico prediction for this alteration is inconclusive. Based on the available evidence, the clinical significance of this variant remains unclear.

Labcorp Genetics (formerly Invitae), Labcorp
Classification: Uncertain significance for Retinoblastoma. Last evaluated: 2024-07-28. Review status: criteria provided, single submitter. Criteria: Invitae Variant Classification Sherloc (09022015). Collection method: clinical testing. Allele origin: germline.
Comment: This sequence change replaces isoleucine, which is neutral and non-polar, with methionine, which is neutral and non-polar, at codon 172 of the RB1 protein (p.Ile172Met). This variant is present in population databases (no rsID available, gnomAD 0.0009%). This variant has not been reported in the literature in individuals affected with RB1-related conditions. ClinVar contains an entry for this variant (Variation ID: 1745775). Advanced modeling of protein sequence and biophysical properties (such as structural, functional, and spatial information, amino acid conservation, physicochemical variation, residue mobility, and thermodynamic stability) performed at Invitae indicates that this missense variant is not expected to disrupt RB1 protein function with a negative predictive value of 80%. In summary, the available evidence is currently insufficient to determine the role of this variant in disease. Therefore, it has been classified as a Variant of Uncertain Significance.

NM_000321.3(RB1):c.516A>G (p.Ile172Met)

Gene: RB1 (RB transcriptional corepressor 1; plus strand). Cytogenetic location: 13q14.2.
Variant type: single nucleotide variant.
Coding change: c.516A>G on transcript NM_000321.3 (MANE Select); coding-DNA position 516, A replaced by G.
Protein change: p.Ile172Met; replaces isoleucine 172 with methionine.
Molecular consequence: missense variant.
Genome position (GRCh38, 1-based): chr13:48,347,840, A>G. VCF-style: chr13-48347840-A-G. GRCh37 (hg19) VCF-style: chr13-48921976-A-G.
Other names: c.516A>G, p.Ile172Met (NM_001407165.1, NM_001407166.1); short protein forms I172M.
Identifiers: ClinVar variation 1745775 (VCV001745775.6), dbSNP rs1179558571, ClinGen allele CA388156810.